The following is an entry in ClinVar:

ClinVar aggregate classification (germline): Benign/Likely benign. Review status: criteria provided, multiple submitters, no conflicts (2 of 4 stars). 3 submissions from 3 submitters: Benign (1); Likely benign (2). Last evaluated 2025-06-22.

Conditions:
Hereditary cancer-predisposing syndrome. Also called: Neoplastic Syndromes, Hereditary; Hereditary Cancer Syndrome; Hereditary neoplastic syndrome; Tumor predisposition. Identifiers: Orphanet 140162, MedGen C0027672, MeSH D009386, MONDO:0015356.
Familial cancer of breast. Also called: BREAST CANCER, FAMILIAL; Hereditary breast cancer; hereditary breast carcinoma. Identifiers: Orphanet 227535, MedGen C0346153, MONDO:0016419, OMIM 114480. Disease mechanism: loss of function.

Submissions (3):

Ambry Genetics
Classification: Likely benign for Hereditary cancer-predisposing syndrome. Last evaluated: 2025-06-22. Review status: criteria provided, single submitter. Criteria: Ambry Variant Classification Scheme 2023. Collection method: clinical testing. Allele origin: germline.

Myriad Genetics, Inc.
Classification: Benign for Familial cancer of breast. Last evaluated: 2024-10-01. Review status: criteria provided, single submitter. Criteria: Myriad Autosomal Dominant, Autosomal Recessive and X-Linked Classification Criteria (2023). Collection method: clinical testing. Allele origin: unknown.
Comment: This variant is considered benign. This variant is a silent/synonymous amino acid change and it is not expected to impact splicing.

Labcorp Genetics (formerly Invitae), Labcorp
Classification: Likely benign for Familial cancer of breast. Last evaluated: 2023-06-17. Review status: criteria provided, single submitter. Criteria: Invitae Variant Classification Sherloc (09022015). Collection method: clinical testing. Allele origin: germline.

NM_007194.4(CHEK2):c.27T>G (p.Ala9=)

Gene: CHEK2 (checkpoint kinase 2; minus strand). Cytogenetic location: 22q12.1.
Variant type: single nucleotide variant.
Coding change: c.27T>G on transcript NM_007194.4 (MANE Select); coding-DNA position 27, T replaced by G.
Protein change: p.Ala9=; no amino-acid change (alanine 9 retained).
Molecular consequence: synonymous variant.
Genome position (GRCh38, 1-based): chr22:28,734,695, A>C on the plus strand (T>G on the coding strand, the complement: CHEK2 is on the minus strand). VCF-style: chr22-28734695-A-C. GRCh37 (hg19) VCF-style: chr22-29130683-A-C.
Other names: c.27T>G (NM_007194.3); c.27T>G, p.Ala9= (NM_001005735.3, NM_001349956.3, NM_145862.3); c.-751T>G (NM_001257387.3).
Identifiers: ClinVar variation 1118454 (VCV001118454.12), dbSNP rs876660497, ClinGen allele CA513946649.
Genomic context (GRCh38, chr22:28,734,695, plus strand): 5'-TTGGGACTGGGTAACGCTGCCATGGGGCTGTGAACAGGCACTGCTGCCATGAGACTGCTG[A>C]GCCTCAACATCCGACTCCCGAGACATCACGACCTCAAAAAGAAAGTGTCCAACAACAAAG-3'
Protein context (NP_009125.1, residues 1-19): MSRESDVE[Ala9=]QQSHGSSACS